The following is an entry in ClinVar:

NM_138927.4(SON):c.2581A>C (p.Met861Leu)

Gene: SON (SON DNA and RNA binding protein; plus strand). Cytogenetic location: 21q22.11.
Variant type: single nucleotide variant.
Coding change: c.2581A>C on transcript NM_138927.4 (MANE Select); coding-DNA position 2581, A replaced by C.
Protein change: p.Met861Leu; replaces methionine 861 with leucine.
Molecular consequence: missense variant. On other transcripts: non-coding transcript variant (1), intron variant (1).
Genome position (GRCh38, 1-based): chr21:33,551,812, A>C. VCF-style: chr21-33551812-A-C. GRCh37 (hg19) VCF-style: chr21-34924118-A-C.
Other names: c.2581A>C, p.Met861Leu (NM_001291411.2, NM_032195.3); c.245-5344A>C (NM_001291412.3); short protein forms M861L.
Identifiers: ClinVar variation 4846939 (VCV004846939.1).

ClinVar aggregate classification (germline): Uncertain significance (1 of 4 stars; one submission).

Conditions:
ZTTK syndrome (ZTTKS). Also called: ZTTK MULTIPLE CONGENITAL ANOMALIES-MENTAL RETARDATION SYNDROME; Zhu-Tokita-Takenouchi-Kim Syndrome. Identifiers: Orphanet 500150, MedGen C4310696, MONDO:0014936, OMIM 617140.

Submission:

Laboratorio de Genetica e Diagnostico Molecular, Hospital Israelita Albert Einstein
Classification: Uncertain significance for ZTTK syndrome. Last evaluated: 2026-01-23. Review status: criteria provided, single submitter. Criteria: ACMG Guidelines, 2015. Collection method: clinical testing. Allele origin: germline. Affected: yes.
Comment: ACMG classification criteria: PM2 supporting, BP4 supporting